The following is an entry in ClinVar:

NM_005477.3(HCN4):c.673G>A (p.Gly225Arg)

Gene: HCN4 (hyperpolarization activated cyclic nucleotide gated potassium channel 4; minus strand). Cytogenetic location: 15q24.1.
Variant type: single nucleotide variant.
Coding change: c.673G>A on transcript NM_005477.3 (MANE Select); coding-DNA position 673, G replaced by A.
Protein change: p.Gly225Arg; replaces glycine 225 with arginine.
Molecular consequence: missense variant.
Genome position (GRCh38, 1-based): chr15:73,367,598, C>T on the plus strand (G>A on the coding strand, the complement: HCN4 is on the minus strand). VCF-style: chr15-73367598-C-T. GRCh37 (hg19) VCF-style: chr15-73659939-C-T.
Other names: short protein forms G225R.
Identifiers: ClinVar variation 1326500 (VCV001326500.6), dbSNP rs767982466, ClinGen allele CA7649440.

ClinVar aggregate classification (germline): Uncertain significance. Review status: criteria provided, multiple submitters, no conflicts (2 of 4 stars). 3 submissions from 3 submitters: Uncertain significance (3). Last evaluated 2026-07-01.

Conditions:
Brugada syndrome 8 (BRGDA8). Identifiers: Orphanet 130, MedGen C2751083, MONDO:0013148, OMIM 613123.

Allele frequency attached by ClinVar (database versions not stated): ExAC 0.00001; gnomAD 0.00001; TOPMed 0.00001.
gnomAD v4.1: 4 of 1,613,602 alleles (0.00025%); highest among the groups gnomAD compares: Admixed American, 0.005%; no homozygotes.

Submissions (3):

CeGaT Center for Human Genetics Tuebingen
Classification: Uncertain significance. Last evaluated: 2026-07-01. Review status: criteria provided, single submitter. Criteria: CeGaT Center For Human Genetics Tuebingen Variant Classification Criteria Version 2. Collection method: clinical testing. Allele origin: germline. Affected: yes. Observed: 1 variant allele.
Comment: HCN4: PM2, PP3

Labcorp Genetics (formerly Invitae), Labcorp
Classification: Uncertain significance for Brugada syndrome 8. Last evaluated: 2025-06-11. Review status: criteria provided, single submitter. Criteria: Invitae Variant Classification Sherloc (09022015). Collection method: clinical testing. Allele origin: germline.
Comment: This sequence change replaces glycine, which is neutral and non-polar, with arginine, which is basic and polar, at codon 225 of the HCN4 protein (p.Gly225Arg). This variant is present in population databases (rs767982466, gnomAD 0.003%). This variant has not been reported in the literature in individuals affected with HCN4-related conditions. ClinVar contains an entry for this variant (Variation ID: 1326500). Invitae Evidence Modeling of protein sequence and biophysical properties (such as structural, functional, and spatial information, amino acid conservation, physicochemical variation, residue mobility, and thermodynamic stability) has been performed for this missense variant. However, the output from this modeling did not meet the statistical confidence thresholds required to predict the impact of this variant on HCN4 protein function. In summary, the available evidence is currently insufficient to determine the role of this variant in disease. Therefore, it has been classified as a Variant of Uncertain Significance.

GeneDx
Classification: Uncertain significance. Last evaluated: 2021-05-26. Review status: criteria provided, single submitter. Criteria: GeneDx Variant Classification Process June 2021. Collection method: clinical testing. Allele origin: germline. Affected: yes.
Comment: Has not been previously published as pathogenic or benign to our knowledge; Not observed at a significant frequency in large population cohorts (Lek et al., 2016); In silico analysis supports that this missense variant has a deleterious effect on protein structure/function